The following is an entry in ClinVar:

ClinVar aggregate classification (germline): Conflicting classifications of pathogenicity. Review status: criteria provided, conflicting classifications (1 of 4 stars). 3 submissions from 3 submitters: Uncertain significance (2); Likely benign (1). Last evaluated 2024-10-01.

Conditions:
Inborn genetic diseases. Identifiers: MedGen C0950123, MeSH D030342.

Allele frequency attached by ClinVar (database versions not stated): ESP Exome Variant Server 0.00008; gnomAD 0.00011; gnomAD exomes 0.00011 and 0.00012; ExAC 0.00015; TOPMed 0.00017.
gnomAD v4.1: 190 of 1,613,684 alleles (0.012%); highest among the groups gnomAD compares: Non-Finnish European, 0.014%; no homozygotes.

Submissions (3):

Blueprint Genetics
Classification: Uncertain significance. Last evaluated: 2024-10-01. Review status: criteria provided, single submitter. Criteria: ACMG Guidelines, 2015. Collection method: clinical testing. Allele origin: germline.

Labcorp Genetics (formerly Invitae), Labcorp
Classification: Uncertain significance. Last evaluated: 2022-06-24. Review status: criteria provided, single submitter. Criteria: Invitae Variant Classification Sherloc (09022015). Collection method: clinical testing. Allele origin: germline.
Comment: This sequence change replaces proline, which is neutral and non-polar, with leucine, which is neutral and non-polar, at codon 362 of the PLOD3 protein (p.Pro362Leu). This variant is present in population databases (rs201666755, gnomAD 0.02%). This variant has not been reported in the literature in individuals affected with PLOD3-related conditions. Algorithms developed to predict the effect of missense changes on protein structure and function are either unavailable or do not agree on the potential impact of this missense change (SIFT: "Tolerated"; PolyPhen-2: "Possibly Damaging"; Align-GVGD: "Class C0"). In summary, the available evidence is currently insufficient to determine the role of this variant in disease. Therefore, it has been classified as a Variant of Uncertain Significance.

Ambry Genetics
Classification: Likely benign for Inborn genetic diseases. Last evaluated: 2022-01-18. Review status: criteria provided, single submitter. Criteria: Ambry Variant Classification Scheme 2023. Collection method: clinical testing. Allele origin: germline.

NM_001084.5(PLOD3):c.1085C>T (p.Pro362Leu)

Gene: PLOD3 (procollagen-lysine,2-oxoglutarate 5-dioxygenase 3; minus strand). Cytogenetic location: 7q22.1.
Variant type: single nucleotide variant.
Coding change: c.1085C>T on transcript NM_001084.5 (MANE Select); coding-DNA position 1085, C replaced by T.
Protein change: p.Pro362Leu; replaces proline 362 with leucine.
Molecular consequence: missense variant.
Genome position (GRCh38, 1-based): chr7:101,212,295, G>A on the plus strand (C>T on the coding strand, the complement: PLOD3 is on the minus strand). VCF-style: chr7-101212295-G-A. GRCh37 (hg19) VCF-style: chr7-100855576-G-A.
Other names: c.1085C>T (NM_001084.4); short protein forms P362L.
Identifiers: ClinVar variation 1416098 (VCV001416098.5), dbSNP rs201666755, ClinGen allele CA4407858.
Genomic context (GRCh38, chr7:101,212,295, plus strand): 5'-CCGCAAGCACCCGCTCACATGGCCATGTCCCTGGCCTCGCCTGGGCTCAGAGCCTCCTCC[G>A]GCCCCACGAGCTTCACAGCTGAGAAGTGGTCCTGGAGCTGCGGCCAGGAGTCAGCGATGT-3'
Protein context (NP_001075.1, residues 352-372): DHFSAVKLVG[Pro362Leu]EEALSPGEAR